The following is an entry in ClinVar:

ClinVar aggregate classification (germline): Uncertain significance. Review status: criteria provided, multiple submitters, no conflicts (2 of 4 stars). 2 submissions from 2 submitters: Uncertain significance (2). Last evaluated 2025-09-02.

Conditions:
Inborn genetic diseases. Identifiers: MedGen C0950123, MeSH D030342.

Allele frequency attached by ClinVar (database versions not stated): TOPMed 0.00006; ExAC 0.00008.
gnomAD v4.1: 60 of 1,610,676 alleles (0.0037%); highest among the groups gnomAD compares: Admixed American, 0.087%; no homozygotes.

Submissions (2):

Labcorp Genetics (formerly Invitae), Labcorp
Classification: Uncertain significance. Last evaluated: 2025-09-02. Review status: criteria provided, single submitter. Criteria: Invitae Variant Classification Sherloc (09022015). Collection method: clinical testing. Allele origin: germline.
Comment: This sequence change replaces valine, which is neutral and non-polar, with methionine, which is neutral and non-polar, at codon 1152 of the OBSL1 protein (p.Val1152Met). This variant is present in population databases (rs760689080, gnomAD 0.1%). This variant has not been reported in the literature in individuals affected with OBSL1-related conditions. ClinVar contains an entry for this variant (Variation ID: 1502955). An algorithm developed to predict the effect of missense changes on protein structure and function (PolyPhen-2) suggests that this variant is likely to be disruptive. In summary, the available evidence is currently insufficient to determine the role of this variant in disease. Therefore, it has been classified as a Variant of Uncertain Significance.

Ambry Genetics
Classification: Uncertain significance for Inborn genetic diseases. Last evaluated: 2025-04-01. Review status: criteria provided, single submitter. Criteria: Ambry Variant Classification Scheme 2023. Collection method: clinical testing. Allele origin: germline.

NM_015311.3(OBSL1):c.3454G>A (p.Val1152Met)

Gene: OBSL1 (obscurin like cytoskeletal adaptor 1; minus strand). Cytogenetic location: 2q35.
Variant type: single nucleotide variant.
Coding change: c.3454G>A on transcript NM_015311.3 (MANE Select); coding-DNA position 3454, G replaced by A.
Protein change: p.Val1152Met; replaces valine 1152 with methionine.
Molecular consequence: missense variant.
Genome position (GRCh38, 1-based): chr2:219,558,232, C>T on the plus strand (G>A on the coding strand, the complement: OBSL1 is on the minus strand). VCF-style: chr2-219558232-C-T. GRCh37 (hg19) VCF-style: chr2-220422954-C-T.
Other names: c.3454G>A, p.Val1152Met (NM_001173431.2); c.3454G>A (NM_015311.2); short protein forms V1152M.
Identifiers: ClinVar variation 1502955 (VCV001502955.8), dbSNP rs760689080, ClinGen allele CA2130865.